The following is an entry in ClinVar:

ClinVar aggregate classification (germline): Uncertain significance. Review status: criteria provided, multiple submitters, no conflicts (2 of 4 stars). 2 submissions from 2 submitters: Uncertain significance (2). Last evaluated 2024-03-03.

Conditions:
Idiopathic generalized epilepsy. Also called: Generalised epilepsy; EIG. Identifiers: MedGen C0270850, MONDO:0005579, OMIM 600669.

Allele frequency attached by ClinVar (database versions not stated): gnomAD 0.00001.
gnomAD v4.1: 41 of 1,613,762 alleles (0.0025%); highest among the groups gnomAD compares: Non-Finnish European, 0.0034%; no homozygotes.

Submissions (2):

Labcorp Genetics (formerly Invitae), Labcorp
Classification: Uncertain significance for Idiopathic generalized epilepsy. Last evaluated: 2024-03-03. Review status: criteria provided, single submitter. Criteria: Invitae Variant Classification Sherloc (09022015). Collection method: clinical testing. Allele origin: germline.
Comment: This sequence change replaces alanine, which is neutral and non-polar, with serine, which is neutral and polar, at codon 21 of the RBFOX1 protein (p.Ala21Ser). The frequency data for this variant in the population databases is considered unreliable, as metrics indicate poor data quality at this position in the gnomAD database. This variant has not been reported in the literature in individuals affected with RBFOX1-related conditions. ClinVar contains an entry for this variant (Variation ID: 1392414). An algorithm developed to predict the effect of missense changes on protein structure and function (PolyPhen-2) suggests that this variant is likely to be tolerated. In summary, the available evidence is currently insufficient to determine the role of this variant in disease. Therefore, it has been classified as a Variant of Uncertain Significance.

Revvity Omics, Revvity
Classification: Uncertain significance. Last evaluated: 2022-07-22. Review status: criteria provided, single submitter. Criteria: ACMG Guidelines, 2015. Collection method: clinical testing. Allele origin: germline.

NM_145893.3(RBFOX1):c.61G>T (p.Ala21Ser)

Gene: RBFOX1 (RNA binding fox-1 homolog 1; plus strand). Cytogenetic location: 16p13.3.
Variant type: single nucleotide variant.
Coding change: c.61G>T on transcript NM_145893.3 (MANE Plus Clinical); coding-DNA position 61, G replaced by T.
Protein change: p.Ala21Ser; replaces alanine 21 with serine.
Molecular consequence: missense variant. On other transcripts: intron variant (5).
Genome position (GRCh38, 1-based): chr16:7,333,062, G>T. VCF-style: chr16-7333062-G-T. GRCh37 (hg19) VCF-style: chr16-7383063-G-T.
Other names: c.61G>T, p.Ala21Ser (NM_145891.3, NM_145892.3); c.28-185085G>T (NM_001364800.2, NM_018723.4, NM_001142333.2 and 1 more transcripts); c.157-185085G>T (NM_001308117.1); short protein forms A21S.
Identifiers: ClinVar variation 1392414 (VCV001392414.12), dbSNP rs1325337150, ClinGen allele CA394795266.